The following is an entry in ClinVar:

ClinVar aggregate classification (germline): not provided (0 of 4 stars; one submission).

Conditions:
Familial cancer of breast. Also called: BREAST CANCER, FAMILIAL; hereditary breast carcinoma; Hereditary breast cancer. Identifiers: Orphanet 227535, MedGen C0346153, MONDO:0016419, OMIM 114480. Disease mechanism: loss of function.

Allele frequency attached by ClinVar (database versions not stated): TOPMed below 0.00001; gnomAD 0.00001.
gnomAD v4.1: 8 of 1,614,018 alleles (0.0005%); highest among the groups gnomAD compares: African/African-American, 0.0013%; no homozygotes.

Submission:

Laboratory of Translational Genomics,  National Cancer Institute
No classification provided. Condition: Familial cancer of breast. Review status: no classification provided. Collection method: not provided. Allele origin: somatic.
Comment: Breast Cancer specimen

NM_001002295.2(GATA3):c.1032C>T (p.Leu344=)

Gene: GATA3 (GATA binding protein 3; plus strand). Cytogenetic location: 10p14.
Variant type: single nucleotide variant.
Coding change: c.1032C>T on transcript NM_001002295.2 (MANE Select); coding-DNA position 1032, C replaced by T.
Protein change: p.Leu344=; no amino-acid change (leucine 344 retained).
Molecular consequence: synonymous variant.
Genome position (GRCh38, 1-based): chr10:8,069,580, C>T. VCF-style: chr10-8069580-C-T. GRCh37 (hg19) VCF-style: chr10-8111543-C-T.
Other names: c.1029C>T, p.Leu343= (NM_002051.3).
Identifiers: ClinVar variation 132961 (VCV000132961.2), dbSNP rs104886017, ClinGen allele CA269869.